The following is an entry in ClinVar:

NM_181486.4(TBX5):c.670C>T (p.Gln224Ter)

Gene: TBX5 (T-box transcription factor 5; minus strand). Cytogenetic location: 12q24.21.
Variant type: single nucleotide variant.
Coding change: c.670C>T on transcript NM_181486.4 (MANE Select); coding-DNA position 670, C replaced by T.
Protein change: p.Gln224Ter; replaces glutamine 224 with a stop codon.
Molecular consequence: nonsense.
Genome position (GRCh38, 1-based): chr12:114,385,561, G>A on the plus strand (C>T on the coding strand, the complement: TBX5 is on the minus strand). VCF-style: chr12-114385561-G-A. GRCh37 (hg19) VCF-style: chr12-114823366-G-A.
Other names: c.670C>T, p.Gln224Ter (NM_000192.3); c.520C>T, p.Gln174Ter (NM_080717.4); short protein forms Q224*, Q174*.
Identifiers: ClinVar variation 372527 (VCV000372527.2), dbSNP rs1057517833, ClinGen allele CA16042784.
Genomic context (GRCh38, chr12:114,385,561, plus strand): 5'-GCTCCATGTCATCACTGCCCCGAAATCCTTTGGCAAAGGGATTATTCTCAATCTTTAATT[G>A]CGTGATCTGAAGGAAAGAGGAAGAGAGAACAAGCTGGTTTTCACTTGATTGCTGCAAGAC-3'

ClinVar aggregate classification (germline): Pathogenic (1 of 4 stars; one submission).

Submission:

GeneDx
Classification: Pathogenic. Last evaluated: 2016-11-02. Review status: criteria provided, single submitter. Criteria: GeneDx Variant Classification (06012015). Collection method: clinical testing. Allele origin: germline. Affected: yes.
Comment: The Q224X nonsense variant in the TBX5 gene has not been previously published as a pathogenic variant; however, it has been observed at GeneDx in individuals with clinical features consistent with Holt-Oram syndrome. It is predicted to cause loss of normal protein function either through protein truncation or nonsense-mediated mRNA decay. Q224X was not observed in approximately 6500 individuals of European and African American ancestry in the NHLBI Exome Sequencing Project, indicating it is not a common benign variant in these populations Therefore we consider Q224X to be a pathogenic variant.